The following is an entry in ClinVar:

NM_138927.4(SON):c.6016A>G (p.Arg2006Gly)

Gene: SON (SON DNA and RNA binding protein; plus strand). Cytogenetic location: 21q22.11.
Variant type: single nucleotide variant.
Coding change: c.6016A>G on transcript NM_138927.4 (MANE Select); coding-DNA position 6016, A replaced by G.
Protein change: p.Arg2006Gly; replaces arginine 2006 with glycine.
Molecular consequence: missense variant. On other transcripts: non-coding transcript variant (1), intron variant (1).
Genome position (GRCh38, 1-based): chr21:33,555,247, A>G. VCF-style: chr21-33555247-A-G. GRCh37 (hg19) VCF-style: chr21-34927553-A-G.
Other names: c.6016A>G, p.Arg2006Gly (NM_001291411.2, NM_001412133.1, NM_032195.3 and 2 more transcripts); c.245-1909A>G (NM_001291412.3); short protein forms R2006G.
Identifiers: ClinVar variation 2835545 (VCV002835545.3), dbSNP rs2517395735, ClinGen allele CA410165993.

ClinVar aggregate classification (germline): Uncertain significance (1 of 4 stars; one submission).

Submission:

Labcorp Genetics (formerly Invitae), Labcorp
Classification: Uncertain significance. Last evaluated: 2023-02-08. Review status: criteria provided, single submitter. Criteria: Invitae Variant Classification Sherloc (09022015). Collection method: clinical testing. Allele origin: germline.
Comment: This sequence change replaces arginine, which is basic and polar, with glycine, which is neutral and non-polar, at codon 2006 of the SON protein (p.Arg2006Gly). This variant is not present in population databases (gnomAD no frequency). This variant has not been reported in the literature in individuals affected with SON-related conditions. Algorithms developed to predict the effect of missense changes on protein structure and function are either unavailable or do not agree on the potential impact of this missense change (SIFT: "Deleterious"; PolyPhen-2: "Not Available"; Align-GVGD: "Class C0"). In summary, the available evidence is currently insufficient to determine the role of this variant in disease. Therefore, it has been classified as a Variant of Uncertain Significance.